The following is an entry in ClinVar:

NM_005562.3(LAMC2):c.3228G>T (p.Met1076Ile)

Gene: LAMC2 (laminin subunit gamma 2; plus strand). Cytogenetic location: 1q25.3.
Variant type: single nucleotide variant.
Coding change: c.3228G>T on transcript NM_005562.3 (MANE Select); coding-DNA position 3228, G replaced by T.
Protein change: p.Met1076Ile; replaces methionine 1076 with isoleucine.
Molecular consequence: missense variant.
Genome position (GRCh38, 1-based): chr1:183,240,198, G>T. VCF-style: chr1-183240198-G-T. GRCh37 (hg19) VCF-style: chr1-183209333-G-T.
Other names: c.3228G>T, p.Met1076Ile (NM_018891.3); short protein forms M1076I.
Identifiers: ClinVar variation 5003332 (VCV005003332.1).
Genomic context (GRCh38, chr1:183,240,198, plus strand): 5'-GGAAGGAGAGCTGGAAAGGAAGGAGCTGGAGTTTGACACGAATATGGATGCAGTACAGAT[G>T]GTGAGTTCCTGTTGCTTTCCACGGGAGATCCCTTTCAACTTGCCAAAATGGAAAATACCT-3'
Protein context (NP_005553.2, residues 1066-1086): EFDTNMDAVQ[Met1076Ile]VITEAQKVDT

ClinVar aggregate classification (germline): Uncertain significance (1 of 4 stars; one submission).

Conditions:
Junctional epidermolysis bullosa. Identifiers: Orphanet 305, MedGen C0079301, MONDO:0017612.

Submission:

Myriad Genetics, Inc.
Classification: Uncertain significance for Junctional epidermolysis bullosa. Last evaluated: 2026-06-15. Review status: criteria provided, single submitter. Criteria: Myriad Autosomal Dominant, Autosomal Recessive and X-Linked Classification Criteria (2023). Collection method: clinical testing. Allele origin: unknown.
Comment: NM_005562.2(LAMC2):c.3228G>T(M1076I) is a missense variant classified as a variant of uncertain significance in the context of junctional epidermolysis bullosa, LAMC2-related. M1076I has not been observed in cases with relevant disease. Relevant functional assessments of this variant are not available in the literature. M1076I has been observed in referenced population frequency databases. In summary, there is insufficient evidence to classify NM_005562.2(LAMC2):c.3228G>T(M1076I) as pathogenic or benign. Please note: this variant was assessed in the context of healthy population screening.